The following is an entry in ClinVar:

NM_153704.6(TMEM67):c.950C>G (p.Thr317Arg)

Gene: TMEM67 (transmembrane protein 67; plus strand). Cytogenetic location: 8q22.1.
Variant type: single nucleotide variant.
Coding change: c.950C>G on transcript NM_153704.6 (MANE Select); coding-DNA position 950, C replaced by G.
Protein change: p.Thr317Arg; replaces threonine 317 with arginine.
Molecular consequence: missense variant. On other transcripts: non-coding transcript variant (1).
Genome position (GRCh38, 1-based): chr8:93,780,954, C>G. VCF-style: chr8-93780954-C-G. GRCh37 (hg19) VCF-style: chr8-94793182-C-G.
Other names: c.707C>G, p.Thr236Arg (NM_001142301.1); short protein forms T236R, T317R.
Identifiers: ClinVar variation 3896191 (VCV003896191.2).

ClinVar aggregate classification (germline): Uncertain significance (1 of 4 stars; one submission).

Submission:

Women's Health and Genetics/Laboratory Corporation of America, LabCorp
Classification: Uncertain significance. Last evaluated: 2025-04-17. Review status: criteria provided, single submitter. Criteria: LabCorp Variant Classification Summary - May 2015. Collection method: clinical testing. Allele origin: germline.
Comment: Variant summary: TMEM67 c.950C>G (p.Thr317Arg) results in a non-conservative amino acid change in the encoded protein sequence. Five of five in-silico tools predict a damaging effect of the variant on protein function. The variant was absent in 251156 control chromosomes. c.950C>G has been observed as compound heterozygous genotype in two individual in a single family affected with Joubert Syndrome And Related Disorders (Vilboux_2017). These data indicate that the variant may be associated with disease. To our knowledge, no experimental evidence demonstrating an impact on protein function has been reported. The following publications have been ascertained in the context of this evaluation (PMID: 28497568, 28125082). No submitters have cited clinical-significance assessments for this variant to ClinVar. Based on the evidence outlined above, the variant was classified as VUS-possibly pathogenic.

Literature cited by the submitters: PubMed 28497568; PubMed 28125082.